The following is an entry in ClinVar:

NM_000206.3(IL2RG):c.718T>C (p.Trp240Arg)

Gene: IL2RG (interleukin 2 receptor subunit gamma; minus strand). Cytogenetic location: Xq13.1.
Variant type: single nucleotide variant.
Coding change: c.718T>C on transcript NM_000206.3 (MANE Select); coding-DNA position 718, T replaced by C.
Protein change: p.Trp240Arg; replaces tryptophan 240 with arginine.
Molecular consequence: missense variant.
Genome position (GRCh38, 1-based): chrX:71,109,267, A>G on the plus strand (T>C on the coding strand, the complement: IL2RG is on the minus strand). VCF-style: chrX-71109267-A-G. GRCh37 (hg19) VCF-style: chrX-70329117-A-G.
Other names: short protein forms W240R.
Identifiers: ClinVar variation 372730 (VCV000372730.2), dbSNP rs1057517950, ClinGen allele CA16043330.
Genomic context (GRCh38, chrX:71,109,267, plus strand): 5'-GGTCATGTGGGCCCATTTTACCTTTTGAAGTATTGCTCCCCCAGTGGATTGGGTGGCTCC[A>G]TTCACTCCAATGCTGAGCACTTCCACAGAGTGGGTTAAAGCGGCTCCGAACACGAAACGT-3'
Protein context (NP_000197.1, residues 230-250): LCGSAQHWSE[Trp240Arg]SHPIHWGSNT

ClinVar aggregate classification (germline): Pathogenic/Likely pathogenic. Review status: criteria provided, multiple submitters, no conflicts (2 of 4 stars). 2 submissions from 2 submitters: Pathogenic (1); Likely pathogenic (1). Last evaluated 2025-11-10.

Conditions:
X-linked severe combined immunodeficiency (SCIDX1). Also called: X-Linked Combined Immunodeficiency Diseases; SCID, X-LINKED; SEVERE COMBINED IMMUNODEFICIENCY, X-LINKED, T CELL-NEGATIVE, B CELL-POSITIVE, NK CELL-NEGATIVE; T-B+ severe combined immunodeficiency due to gamma chain deficiency; IMMUNODEFICIENCY 4. Identifiers: Orphanet 276, MedGen C6022468, MONDO:0010315, OMIM 300400. Disease mechanism: loss of function.

Submissions (2):

Labcorp Genetics (formerly Invitae), Labcorp
Classification: Pathogenic for X-linked severe combined immunodeficiency. Last evaluated: 2025-11-10. Review status: criteria provided, single submitter. Criteria: Invitae Variant Classification Sherloc (09022015). Collection method: clinical testing. Allele origin: germline.
Comment: This sequence change replaces tryptophan, which is neutral and slightly polar, with arginine, which is basic and polar, at codon 240 of the IL2RG protein (p.Trp240Arg). This variant is not present in population databases (gnomAD no frequency). This missense change has been observed in individual(s) with severe combined immunodeficiency (PMID: 23250629, 26409833). In at least one individual the variant was observed to be de novo. ClinVar contains an entry for this variant (Variation ID: 372730). Invitae Evidence Modeling of protein sequence and biophysical properties (such as structural, functional, and spatial information, amino acid conservation, physicochemical variation, residue mobility, and thermodynamic stability) indicates that this missense variant is expected to disrupt IL2RG protein function with a positive predictive value of 95%. For these reasons, this variant has been classified as Pathogenic.

GeneDx
Classification: Likely pathogenic. Last evaluated: 2016-05-02. Review status: criteria provided, single submitter. Criteria: GeneDx Variant Classification (06012015). Collection method: clinical testing. Allele origin: germline. Affected: yes.
Comment: The W240R variant that is likely pathogenic was identified in the IL2RG gene. It has been published previously in association with X-linked SCID (Yao et al., 2013; Tan et al., 2015). The variant was not observed in approximately 6,500 individuals of European and African American ancestry in the NHLBI Exome Sequencing Project, indicating it is not a common benign variant in these populations. W240R is a non-conservative amino acid substitution, which is likely to impact secondary protein structure as these residues differ in polarity, charge, size and/or other properties. This substitution occurs at a position within the WSXWS motif that is conserved across species, and in silico analysis predicts this variant is probably damaging to the protein structure/function. Therefore, this variant is likely pathogenic; however, the possibility that it is benign cannot be excluded.

Literature cited by the submitters: PubMed 23250629 (cited by Labcorp Genetics (formerly Invitae), Labcorp); PubMed 26409833 (cited by Labcorp Genetics (formerly Invitae), Labcorp).